The following is an entry in ClinVar:

NM_007294.4(BRCA1):c.502A>T (p.Lys168Ter)

Gene: BRCA1 (BRCA1 DNA repair associated; minus strand). Cytogenetic location: 17q21.31.
Variant type: single nucleotide variant.
Coding change: c.502A>T on transcript NM_007294.4 (MANE Select); coding-DNA position 502, A replaced by T.
Protein change: p.Lys168Ter; replaces lysine 168 with a stop codon.
Molecular consequence: nonsense. On other transcripts: non-coding transcript variant (1).
Genome position (GRCh38, 1-based): chr17:43,099,820, T>A on the plus strand (A>T on the coding strand, the complement: BRCA1 is on the minus strand). VCF-style: chr17-43099820-T-A. GRCh37 (hg19) VCF-style: chr17-41251837-T-A.
Other names: 621A>T; c.289A>T, p.Lys97Ter (NM_001407897.1, NM_001407898.1, NM_001407899.1 and 18 more transcripts); c.292A>T, p.Lys98Ter (NM_001407900.1, NM_001407902.1, NM_001407904.1 and 37 more transcripts); c.502A>T, p.Lys168Ter (NM_001407919.1, NM_001407937.1, NM_001407938.1 and 97 more transcripts); c.361A>T, p.Lys121Ter (NM_001407920.1, NM_001407921.1, NM_001407922.1 and 61 more transcripts); c.358A>T, p.Lys120Ter (NM_001407930.1, NM_001407931.1, NM_001407932.1 and 35 more transcripts); c.499A>T, p.Lys167Ter (NM_001407940.1, NM_001407941.1, NM_001407972.1 and 65 more transcripts); c.121A>T, p.Lys41Ter (NM_001407959.1, NM_001407960.1, NM_001407963.1 and 3 more transcripts); and 5 more; short protein forms K168*, K121*, K97*, K120*, K123*, K141*, K142*, K167*.
Identifiers: ClinVar variation 266514 (VCV000266514.8), dbSNP rs886040263, ClinGen allele CA10590005.

ClinVar aggregate classification (germline): Pathogenic. Review status: reviewed by expert panel (3 of 4 stars). 3 submissions from 3 submitters: Pathogenic (1). 2 of the submissions do not count toward it. Last evaluated 2016-10-18.

Conditions:
Breast-ovarian cancer, familial, susceptibility to, 1 (BROVCA1). Also called: BRCA1 Hereditary Breast and Ovarian Cancer; OVARIAN CANCER, SUSCEPTIBILITY TO. Identifiers: Orphanet 145, MedGen C2676676, MONDO:0011450, OMIM 604370. Disease mechanism: loss of function.

Submissions (3):

Evidence-based Network for the Interpretation of Germline Mutant Alleles (ENIGMA)
Classification: Pathogenic for Breast-ovarian cancer, familial, susceptibility to, 1. Last evaluated: 2016-10-18. Review status: reviewed by expert panel. Criteria: ENIGMA BRCA1/2 Classification Criteria (2015). Collection method: curation. Allele origin: germline.
Comment: Variant allele predicted to encode a truncated non-functional protein.

Revvity Omics, Revvity
Classification: Likely pathogenic. Last evaluated: 2025-06-04. Review status: criteria provided, single submitter. Criteria: ACMG Guidelines, 2015. Collection method: clinical testing. Allele origin: germline. Not counted in ClinVar's aggregate classification.

Consortium of Investigators of Modifiers of BRCA1/2 (CIMBA), c/o University of Cambridge
Classification: Pathogenic for Breast-ovarian cancer, familial, susceptibility to, 1. Last evaluated: 2015-10-02. Review status: criteria provided, single submitter. Criteria: CIMBA Mutation Classification guidelines May 2016. Collection method: clinical testing. Allele origin: germline. Not counted in ClinVar's aggregate classification.